The following is an entry in ClinVar:

ClinVar aggregate classification (germline): Likely benign (1 of 4 stars; one submission).

Conditions:
Familial cancer of breast. Also called: Hereditary breast cancer; BREAST CANCER, FAMILIAL; hereditary breast carcinoma. Identifiers: Orphanet 227535, MedGen C0346153, MONDO:0016419, OMIM 114480. Disease mechanism: loss of function.

Submission:

Myriad Genetics, Inc.
Classification: Likely benign for Familial cancer of breast. Last evaluated: 2024-10-04. Review status: criteria provided, single submitter. Criteria: Myriad Autosomal Dominant, Autosomal Recessive and X-Linked Classification Criteria (2023). Collection method: clinical testing. Allele origin: unknown.
Comment: This variant is considered likely benign. This variant is intronic and is not expected to impact mRNA splicing.

NM_007194.4(CHEK2):c.1095+8A>T

Gene: CHEK2 (checkpoint kinase 2; minus strand). Cytogenetic location: 22q12.1.
Variant type: single nucleotide variant.
Coding change: c.1095+8A>T on transcript NM_007194.4 (MANE Select); 8 bases into the intron after coding-DNA position 1095, A replaced by T.
Molecular consequence: intron variant.
Genome position (GRCh38, 1-based): chr22:28,696,893, T>A on the plus strand (A>T on the coding strand, the complement: CHEK2 is on the minus strand). VCF-style: chr22-28696893-T-A. GRCh37 (hg19) VCF-style: chr22-29092881-T-A.
Other names: c.432+8A>T (NM_001437942.1, NM_001257387.3); c.894+8A>T (NM_001349956.3); c.1009-1020A>T (NM_145862.3); c.1102-1020A>T (NM_001438295.1); c.1188+8A>T (NM_001438293.1); c.1138-1020A>T (NM_001438294.1); c.1224+8A>T (NM_001005735.3).
Identifiers: ClinVar variation 3773177 (VCV003773177.1).
Genomic context (GRCh38, chr22:28,696,893, plus strand): 5'-TTGAGGAATTAAAAGTTTCTGAACAAGAATCTACAGGAATAGCCACATACAGAATGCCAA[T>A]TTCTTACCTTTATAAGACAGTCCTCTTCTTGAGATGACAGTAAAACATTCTCTGGCTTTA-3'